The following is an entry in ClinVar:

NM_000417.3(IL2RA):c.1A>T (p.Met1Leu)

Genes: IL2RA (interleukin 2 receptor subunit alpha; minus strand), LOC128462384 (CRISPRi-FlowFISH-validated IL2RA regulatory element GRCh37_chr10:6104083-6104713; plus strand). Cytogenetic location: 10p15.1.
Variant type: single nucleotide variant.
Coding change: c.1A>T on transcript NM_000417.3 (MANE Select); coding-DNA position 1, A replaced by T.
Protein change: p.Met1Leu; changes the start codon (methionine 1).
Molecular consequence: missense variant, initiator codon variant.
Genome position (GRCh38, 1-based): chr10:6,062,151, T>A on the plus strand (A>T on the coding strand, the complement: IL2RA is on the minus strand). VCF-style: chr10-6062151-T-A. GRCh37 (hg19) VCF-style: chr10-6104114-T-A.
Other names: c.1A>T, p.Met1Leu (NM_001308242.2, NM_001308243.2); short protein forms M1L.
Identifiers: ClinVar variation 1965847 (VCV001965847.6), dbSNP rs755829547, ClinGen allele CA375940579.

ClinVar aggregate classification (germline): Uncertain significance (1 of 4 stars; one submission).

Conditions:
Immunodeficiency due to CD25 deficiency. Also called: CD25 DEFICIENCY; IMMUNODEFICIENCY 41 WITH LYMPHOPROLIFERATION AND AUTOIMMUNITY; IL2RA DEFICIENCY. Identifiers: Orphanet 169100, MedGen C1853392, MONDO:0011664, OMIM 606367.

Allele frequency attached by ClinVar (database versions not stated): gnomAD 0.00003.

Submission:

Labcorp Genetics (formerly Invitae), Labcorp
Classification: Uncertain significance for Immunodeficiency due to CD25 deficiency. Last evaluated: 2022-04-01. Review status: criteria provided, single submitter. Criteria: Invitae Variant Classification Sherloc (09022015). Collection method: clinical testing. Allele origin: germline.
Comment: This variant has not been reported in the literature in individuals affected with IL2RA-related conditions. This variant is present in population databases (no rsID available, gnomAD 0.003%). This sequence change affects the initiator methionine of the IL2RA mRNA. The next in-frame methionine is located at codon 7. In summary, the available evidence is currently insufficient to determine the role of this variant in disease. Therefore, it has been classified as a Variant of Uncertain Significance.